The following is an entry in ClinVar:

NM_004281.4(BAG3):c.1029C>A (p.Arg343=)

Gene: BAG3 (BAG cochaperone 3; plus strand). Cytogenetic location: 10q26.11.
Variant type: single nucleotide variant.
Coding change: c.1029C>A on transcript NM_004281.4 (MANE Select); coding-DNA position 1029, C replaced by A.
Protein change: p.Arg343=; no amino-acid change (arginine 343 retained).
Molecular consequence: synonymous variant.
Genome position (GRCh38, 1-based): chr10:119,676,583, C>A. VCF-style: chr10-119676583-C-A. GRCh37 (hg19) VCF-style: chr10-121436095-C-A.
Identifiers: ClinVar variation 381919 (VCV000381919.76), dbSNP rs117972572, ClinGen allele CA5716468.

ClinVar aggregate classification (germline): Conflicting classifications of pathogenicity. Review status: criteria provided, conflicting classifications (1 of 4 stars). 15 submissions from 14 submitters: Uncertain significance (1); Benign (2); Likely benign (9). 3 of the submissions do not count toward it. Last evaluated 2026-07-01.

Conditions:
Myofibrillar myopathy 6. Identifiers: Orphanet 199340, MedGen C2751831, MONDO:0013061, OMIM 612954.
Dilated cardiomyopathy 1HH (CMD1HH). Identifiers: Orphanet 154, MedGen C3151293, MONDO:0013479, OMIM 613881.
BAG3-related disorder. Also called: BAG3-related condition.
Cardiovascular phenotype. Identifiers: MedGen CN230736.
Cardiomyopathy (CMYO). Also called: Cardiomyopathies. Identifiers: Orphanet 167848, MedGen C0878544, MONDO:0004994, HP:0001638. Inheritance: Various modes of inheritance.

Allele frequency attached by ClinVar (database versions not stated): gnomAD 0.00013; 1000 Genomes Project 0.00020; TOPMed 0.00020; ESP Exome Variant Server 0.00023; 1000 Genomes Project 30x 0.00047.
gnomAD v4.1: 380 of 1,614,136 alleles (0.024%); highest among the groups gnomAD compares: Middle Eastern, 0.033%; no homozygotes.

Submissions (15):

CeGaT Center for Human Genetics Tuebingen
Classification: Likely benign. Last evaluated: 2026-07-01. Review status: criteria provided, single submitter. Criteria: CeGaT Center For Human Genetics Tuebingen Variant Classification Criteria Version 2. Collection method: clinical testing. Allele origin: germline. Affected: yes. Observed: 9 variant alleles.
Comment: BAG3: BP4, BP7

PreventionGenetics, part of Exact Sciences
Classification: Likely benign for BAG3-related condition. Last evaluated: 2026-05-11. Review status: criteria provided, single submitter. Criteria: ACMG Guidelines, 2015. Collection method: clinical testing. Allele origin: germline.
Comment: This variant is classified as likely benign based on ACMG/AMP sequence variant interpretation guidelines (Richards et al. 2015 PMID: 25741868, with internal and published modifications).

Labcorp Genetics (formerly Invitae), Labcorp
Classification: Likely benign for Dilated cardiomyopathy 1HH; Myofibrillar myopathy 6. Last evaluated: 2026-01-27. Review status: criteria provided, single submitter. Criteria: Invitae Variant Classification Sherloc (09022015). Collection method: clinical testing. Allele origin: germline.

Laboratory of Genetics, Children's Clinical University Hospital Latvia
Classification: Likely benign. Last evaluated: 2025-02-16. Review status: criteria provided, single submitter. Criteria: ACMG Guidelines, 2015. Collection method: clinical testing. Allele origin: germline. Affected: yes.

ARUP Laboratories, Molecular Genetics and Genomics, ARUP Laboratories
Classification: Likely benign. Last evaluated: 2025-01-17. Review status: criteria provided, single submitter. Criteria: ARUP Molecular Germline Variant Investigation Process 2024. Collection method: clinical testing. Allele origin: germline.

Blueprint Genetics
Classification: Likely benign. Last evaluated: 2024-11-23. Review status: criteria provided, single submitter. Criteria: ACMG Guidelines, 2015. Collection method: clinical testing. Allele origin: germline.

CHEO Genetics Diagnostic Laboratory, Children's Hospital of Eastern Ontario
Classification: Likely benign for Cardiomyopathy. Last evaluated: 2023-02-23. Review status: criteria provided, single submitter. Criteria: ACMG Guidelines, 2015. Collection method: clinical testing. Allele origin: germline.

GeneDx
Classification: Likely benign. Last evaluated: 2021-06-22. Review status: criteria provided, single submitter. Criteria: GeneDx Variant Classification Process June 2021. Collection method: clinical testing. Allele origin: germline. Affected: yes.

Women's Health and Genetics/Laboratory Corporation of America, LabCorp
Classification: Benign. Last evaluated: 2020-08-24. Review status: criteria provided, single submitter. Criteria: LabCorp Variant Classification Summary - May 2015. Collection method: clinical testing. Allele origin: germline.

Illumina Laboratory Services, Illumina
Classification: Benign for Myofibrillar myopathy 6. Last evaluated: 2018-01-12. Review status: criteria provided, single submitter. Criteria: ICSL Variant Classification Criteria 13 December 2019. Collection method: clinical testing. Allele origin: germline.
Comment: This variant was observed in the ICSL laboratory as part of a predisposition screen in an ostensibly healthy population. It had not been previously curated by ICSL or reported in the Human Gene Mutation Database (HGMD: prior to June 1st, 2018), and was therefore a candidate for classification through an automated scoring system. Utilizing variant allele frequency, disease prevalence and penetrance estimates, and inheritance mode, an automated score was calculated to assess if this variant is too frequent to cause the disease. Based on the score and internal cut-off values, a variant classified as benign is not then subjected to further curation. The score for this variant resulted in a classification of benign for this disease.

Illumina Laboratory Services, Illumina
Classification: Uncertain significance for Dilated cardiomyopathy 1HH. Last evaluated: 2018-01-12. Review status: criteria provided, single submitter. Criteria: ICSL Variant Classification Criteria 13 December 2019. Collection method: clinical testing. Allele origin: germline.

Ambry Genetics
Classification: Likely benign for Cardiovascular phenotype. Last evaluated: 2017-07-24. Review status: criteria provided, single submitter. Criteria: Ambry Variant Classification Scheme 2023. Collection method: clinical testing. Allele origin: germline.

Clinical Genetics DNA and cytogenetics Diagnostics Lab, Erasmus MC, Erasmus Medical Center
Classification: Likely benign. Review status: no assertion criteria provided. Collection method: clinical testing. Allele origin: germline. Affected: yes. Study: VKGL Data-share Consensus. Not counted in ClinVar's aggregate classification.

Clinical Genetics, Academic Medical Center
Classification: Benign. Review status: no assertion criteria provided. Collection method: clinical testing. Allele origin: germline. Affected: yes. Study: VKGL Data-share Consensus. Not counted in ClinVar's aggregate classification.

Joint Genome Diagnostic Labs from Nijmegen and Maastricht, Radboudumc and MUMC+
Classification: Likely benign. Review status: no assertion criteria provided. Collection method: clinical testing. Allele origin: germline. Affected: yes. Study: VKGL Data-share Consensus. Not counted in ClinVar's aggregate classification.